The following is an entry in ClinVar:

NM_024490.4(ATP10A):c.1134C>T (p.Tyr378=)

Gene: ATP10A (ATPase phospholipid transporting 10A (putative); minus strand). Cytogenetic location: 15q12.
Variant type: single nucleotide variant.
Coding change: c.1134C>T on transcript NM_024490.4 (MANE Select); coding-DNA position 1134, C replaced by T.
Protein change: p.Tyr378=; no amino-acid change (tyrosine 378 retained).
Molecular consequence: synonymous variant.
Genome position (GRCh38, 1-based): chr15:25,721,886, G>A on the plus strand (C>T on the coding strand, the complement: ATP10A is on the minus strand). VCF-style: chr15-25721886-G-A. GRCh37 (hg19) VCF-style: chr15-25967033-G-A.
Identifiers: ClinVar variation 785474 (VCV000785474.7), dbSNP rs28669028, ClinGen allele CA7436892.

ClinVar aggregate classification (germline): Benign. Review status: criteria provided, multiple submitters, no conflicts (2 of 4 stars). 3 submissions from 3 submitters: Benign (2). 1 of the submissions does not count toward it. Last evaluated 2019-12-31.

Conditions:
ATP10A-related disorder. Also called: ATP10A-related condition.

Allele frequency attached by ClinVar (database versions not stated): gnomAD exomes 0.00149; ExAC 0.00192; gnomAD 0.00591 and 0.00550; ESP Exome Variant Server 0.00730; 1000 Genomes Project 30x 0.00578; TOPMed 0.00643; 1000 Genomes Project 0.00579.
gnomAD v4.1: 1,672 of 1,608,686 alleles (0.1%); highest among the groups gnomAD compares: African/African-American, 2%; 23 homozygotes.

Submissions (3):

Labcorp Genetics (formerly Invitae), Labcorp
Classification: Benign. Last evaluated: 2019-12-31. Review status: criteria provided, single submitter. Criteria: Invitae Variant Classification Sherloc (09022015). Collection method: clinical testing. Allele origin: germline.

Breakthrough Genomics
Classification: Benign. Review status: criteria provided, single submitter. Criteria: ACMG Guidelines, 2015. Collection method: not provided. Allele origin: germline. Inheritance: Unknown mechanism. Affected: yes.

PreventionGenetics, part of Exact Sciences
Classification: Benign for ATP10A-related condition. Last evaluated: 2019-06-08. Review status: no assertion criteria provided. Collection method: clinical testing. Allele origin: germline. Not counted in ClinVar's aggregate classification.
Comment: This variant is classified as benign based on ACMG/AMP sequence variant interpretation guidelines (Richards et al. 2015 PMID: 25741868, with internal and published modifications).